The following is an entry in ClinVar:

ClinVar aggregate classification (germline): Uncertain significance (1 of 4 stars; one submission).

Submission:

GeneDx
Classification: Uncertain significance. Last evaluated: 2026-03-08. Review status: criteria provided, single submitter. Criteria: GeneDx Variant Classification Process June 2021. Collection method: clinical testing. Allele origin: germline.
Comment: Not observed at significant frequency in large population cohorts (gnomAD); In silico analysis supports that this missense variant has a deleterious effect on protein structure/function; Has not been previously published as pathogenic or benign to our knowledge

NM_007118.4(TRIO):c.776A>G (p.Glu259Gly)

Gene: TRIO (trio Rho guanine nucleotide exchange factor; plus strand). Cytogenetic location: 5p15.2.
Variant type: single nucleotide variant.
Coding change: c.776A>G on transcript NM_007118.4 (MANE Select); coding-DNA position 776, A replaced by G.
Protein change: p.Glu259Gly; replaces glutamic acid 259 with glycine.
Molecular consequence: missense variant. On other transcripts: non-coding transcript variant (1).
Genome position (GRCh38, 1-based): chr5:14,290,951, A>G. VCF-style: chr5-14290951-A-G. GRCh37 (hg19) VCF-style: chr5-14291060-A-G.
Other names: short protein forms E259G.
Identifiers: ClinVar variation 3369001 (VCV003369001.2).